The following is an entry in ClinVar:

ClinVar aggregate classification (germline): Benign/Likely benign. Review status: criteria provided, multiple submitters, no conflicts (2 of 4 stars). 6 submissions from 6 submitters: Benign (4); Likely benign (2). Last evaluated 2026-02-03.

Conditions:
Bardet-Biedl syndrome (BBS). Identifiers: Orphanet 110, MedGen C0752166, MONDO:0015229.
Bardet-Biedl syndrome 9 (BBS9). Identifiers: Orphanet 110, MedGen C1859567, MONDO:0014437, OMIM 615986.

Allele frequency attached by ClinVar (database versions not stated): gnomAD exomes 0.01214; ExAC 0.01503; gnomAD 0.02854 and 0.02890; ESP Exome Variant Server 0.03114; TOPMed 0.03153; 1000 Genomes Project 0.04932; 1000 Genomes Project 30x 0.04950.
gnomAD v4.1: 13,004 of 1,613,376 alleles (0.81%); highest among the groups gnomAD compares: African/African-American, 9.6%; 452 homozygotes.

Submissions (14):

Labcorp Genetics (formerly Invitae), Labcorp
Classification: Benign for Bardet-Biedl syndrome. Last evaluated: 2026-02-03. Review status: criteria provided, single submitter. Criteria: Invitae Variant Classification Sherloc (09022015). Collection method: clinical testing. Allele origin: germline.

Mayo Clinic Laboratories, Mayo Clinic
Classification: Benign. Last evaluated: 2023-04-03. Review status: criteria provided, single submitter. Criteria: ACMG Guidelines, 2015. Collection method: clinical testing. Allele origin: germline. Observed: 5 variant alleles.

GeneDx
Classification: Benign. Last evaluated: 2021-06-10. Review status: criteria provided, single submitter. Criteria: GeneDx Variant Classification Process June 2021. Collection method: clinical testing. Allele origin: germline. Affected: yes.

Illumina Laboratory Services, Illumina
Classification: Likely benign for Bardet-Biedl syndrome 9. Last evaluated: 2017-04-27. Review status: criteria provided, single submitter. Criteria: ICSL Variant Classification Criteria 13 December 2019. Collection method: clinical testing. Allele origin: germline.
Comment: This variant was observed as part of a predisposition screen in an ostensibly healthy population. A literature search was performed for the gene, cDNA change, and amino acid change (where applicable). No publications were found based on this search. Allele frequency data from public databases allowed determination this variant is unlikely to cause disease. Therefore, this variant is classified as likely benign.

Breakthrough Genomics
Classification: Likely benign. Review status: criteria provided, single submitter. Criteria: ACMG Guidelines, 2015. Collection method: not provided. Allele origin: germline. Inheritance: Autosomal recessive inheritance. Affected: yes.

PreventionGenetics, part of Exact Sciences
Classification: Benign. Review status: criteria provided, single submitter. Criteria: ACMG Guidelines, 2015. Collection method: clinical testing. Allele origin: germline.

Dr. Peter K. Rogan Lab, Western University
No classification provided (evidence only). Condition: Lung cancer. Review status: no classification provided. Collection method: in vitro. Allele origin: not applicable. Functional consequence: retained intron. Not counted in ClinVar's aggregate classification.

Dr. Peter K. Rogan Lab, Western University
No classification provided (evidence only). Condition: Acute myeloid leukemia. Review status: no classification provided. Collection method: in vitro. Allele origin: not applicable. Functional consequence: retained intron. Not counted in ClinVar's aggregate classification.

Dr. Peter K. Rogan Lab, Western University
No classification provided (evidence only). Condition: Acute myeloid leukemia. Review status: no classification provided. Collection method: in vitro. Allele origin: not applicable. Functional consequence: retained intron. Not counted in ClinVar's aggregate classification.

Dr. Peter K. Rogan Lab, Western University
No classification provided (evidence only). Condition: Acute myeloid leukemia. Review status: no classification provided. Collection method: in vitro. Allele origin: not applicable. Functional consequence: retained intron. Not counted in ClinVar's aggregate classification.

Dr. Peter K. Rogan Lab, Western University
No classification provided (evidence only). Condition: Thyroid cancer, nonmedullary, 1. Review status: no classification provided. Collection method: in vitro. Allele origin: not applicable. Functional consequence: retained intron. Not counted in ClinVar's aggregate classification.

Dr. Peter K. Rogan Lab, Western University
No classification provided (evidence only). Condition: Uterine corpus endometrial carcinoma. Review status: no classification provided. Collection method: in vitro. Allele origin: not applicable. Functional consequence: retained intron. Not counted in ClinVar's aggregate classification.

Dr. Peter K. Rogan Lab, Western University
No classification provided (evidence only). Condition: Uterine corpus endometrial carcinoma. Review status: no classification provided. Collection method: in vitro. Allele origin: not applicable. Functional consequence: retained intron. Not counted in ClinVar's aggregate classification.

Dr. Peter K. Rogan Lab, Western University
No classification provided (evidence only). Condition: Uterine corpus endometrial carcinoma. Review status: no classification provided. Collection method: in vitro. Allele origin: not applicable. Functional consequence: retained intron. Not counted in ClinVar's aggregate classification.

NM_198428.3(BBS9):c.1029A>G (p.Gly343=)

Gene: BBS9 (Bardet-Biedl syndrome 9; plus strand). Cytogenetic location: 7p14.3.
Variant type: single nucleotide variant.
Coding change: c.1029A>G on transcript NM_198428.3 (MANE Select); coding-DNA position 1029, A replaced by G.
Protein change: p.Gly343=; no amino-acid change (glycine 343 retained).
Molecular consequence: synonymous variant. On other transcripts: non-coding transcript variant (3).
Genome position (GRCh38, 1-based): chr7:33,336,453, A>G. VCF-style: chr7-33336453-A-G. GRCh37 (hg19) VCF-style: chr7-33376065-A-G.
Other names: p.Gly343=; c.1029A>G, p.Gly343= (NM_001033604.2, NM_001033605.2, NM_001348036.1 and 5 more transcripts); c.663A>G, p.Gly221= (NM_001348037.3, NM_001348044.3, NM_001348045.3 and 1 more transcripts); c.756A>G, p.Gly252= (NM_001348038.3, NM_001348039.3); c.894A>G, p.Gly298= (NM_001348042.3).
Identifiers: ClinVar variation 263112 (VCV000263112.20), dbSNP rs35195153, ClinGen allele CA4214183.